The following is an entry in ClinVar:

NM_000069.3(CACNA1S):c.2350C>G (p.Pro784Ala)

Gene: CACNA1S (calcium voltage-gated channel subunit alpha1 S; minus strand). Cytogenetic location: 1q32.1.
Variant type: single nucleotide variant.
Coding change: c.2350C>G on transcript NM_000069.3 (MANE Select); coding-DNA position 2350, C replaced by G.
Protein change: p.Pro784Ala; replaces proline 784 with alanine.
Molecular consequence: missense variant.
Genome position (GRCh38, 1-based): chr1:201,070,282, G>C on the plus strand (C>G on the coding strand, the complement: CACNA1S is on the minus strand). VCF-style: chr1-201070282-G-C. GRCh37 (hg19) VCF-style: chr1-201039410-G-C.
Other names: c.2350C>G (NM_000069.2); short protein forms P784A.
Identifiers: ClinVar variation 2153764 (VCV002153764.7), dbSNP rs755964792, ClinGen allele CA078936.

ClinVar aggregate classification (germline): Conflicting classifications of pathogenicity. Review status: criteria provided, conflicting classifications (1 of 4 stars). 3 submissions from 3 submitters: Uncertain significance (2); Benign (1). Last evaluated 2024-03-05.

Conditions:
Malignant hyperthermia, susceptibility to, 5 (MHS5). Also called: CACNA1S-Related Malignant Hyperthermia Susceptibility. Identifiers: Orphanet 423, MedGen C1866077, MONDO:0011163, OMIM 601887.
Hypokalemic periodic paralysis, type 1. Also called: Hypokalemic Periodic Paralysis Type 1 (AD); HypoPP. Identifiers: Orphanet 681, MedGen C3714580, MONDO:0042979, OMIM 170400.
Inborn genetic diseases. Identifiers: MedGen C0950123, MeSH D030342.

Allele frequency attached by ClinVar (database versions not stated): ExAC 0.00001; TOPMed 0.00003; gnomAD 0.00005.
gnomAD v4.1: 9 of 1,613,870 alleles (0.00056%); highest among the groups gnomAD compares: African/African-American, 0.012%; no homozygotes.

Submissions (3):

All of Us Research Program, National Institutes of Health
Classification: Uncertain significance for Malignant hyperthermia, susceptibility to, 5. Last evaluated: 2024-03-05. Review status: criteria provided, single submitter. Criteria: ACMG Guidelines, 2015. Collection method: clinical testing. Allele origin: germline. Inheritance: Autosomal dominant inheritance. Observed: 4 variant alleles, 4 heterozygotes.
Comment: This missense variant replaces proline with alanine at codon 784 of the CACNA1S protein. Computational prediction is inconclusive regarding the impact of this variant on protein structure and function (internally defined REVEL score threshold 0.5 < inconclusive < 0.7, PMID: 27666373). To our knowledge, functional studies have not been reported for this variant. This variant has not been reported in individuals affected with CACNA1S-related disorders in the literature. This variant has been identified in 4/282640 chromosomes in the general population by the Genome Aggregation Database (gnomAD). The available evidence is insufficient to determine the role of this variant in disease conclusively. Therefore, this variant is classified as a Variant of Uncertain Significance.

This study involves interpretation of variants in research participants for the purpose of population health screening. Participant phenotype was not available at the time of variant classification. Additional details can be found in publication PMID: 35346344, PMCID: PMC8962531

Labcorp Genetics (formerly Invitae), Labcorp
Classification: Benign for Hypokalemic periodic paralysis, type 1; Malignant hyperthermia, susceptibility to, 5. Last evaluated: 2022-06-28. Review status: criteria provided, single submitter. Criteria: Invitae Variant Classification Sherloc (09022015). Collection method: clinical testing. Allele origin: germline.

Ambry Genetics
Classification: Uncertain significance for Inborn genetic diseases. Last evaluated: 2021-08-12. Review status: criteria provided, single submitter. Criteria: Ambry Variant Classification Scheme 2023. Collection method: clinical testing. Allele origin: germline.